The following is an entry in ClinVar:

ClinVar aggregate classification (germline): Pathogenic. Review status: criteria provided, single submitter (1 of 4 stars). 2 submissions from 2 submitters: Pathogenic (1). 1 of the submissions does not count toward it. Last evaluated 2022-05-20.

Conditions:
Retinal dystrophy. Also called: Inherited retinal dystrophy. Identifiers: Orphanet 71862, MedGen C0854723, MeSH D058499, MONDO:0019118, HP:0000556.

Submissions (2):

Labcorp Genetics (formerly Invitae), Labcorp
Classification: Pathogenic. Last evaluated: 2022-05-20. Review status: criteria provided, single submitter. Criteria: Invitae Variant Classification Sherloc (09022015). Collection method: clinical testing. Allele origin: germline.
Comment: For these reasons, this variant has been classified as Pathogenic. This variant disrupts a region of the RLBP1 protein in which other variant(s) (p.Gln278*) have been determined to be pathogenic (PMID: 33851411; Invitae). This suggests that this is a clinically significant region of the protein, and that variants that disrupt it are likely to be disease-causing. This variant has not been reported in the literature in individuals affected with RLBP1-related conditions. This variant is not present in population databases (gnomAD no frequency). This sequence change results in a frameshift in the RLBP1 gene (p.Phe276Serfs*53). While this is not anticipated to result in nonsense mediated decay, it is expected to disrupt the last 42 amino acid(s) of the RLBP1 protein and extend the protein by 10 additional amino acid residues.

Institute of Human Genetics, Univ. Regensburg, Univ. Regensburg
Classification: Likely pathogenic for Retinal dystrophy. Last evaluated: 2022-01-01. Review status: no assertion criteria provided. Criteria: ACMG Guidelines, 2015. Collection method: clinical testing. Allele origin: germline. Affected: yes. Not counted in ClinVar's aggregate classification.

Literature cited by the submitters: PubMed 33851411 (cited by Labcorp Genetics (formerly Invitae), Labcorp).

NM_000326.5(RLBP1):c.827del (p.Phe276fs)

Gene: RLBP1 (retinaldehyde binding protein 1; minus strand). Cytogenetic location: 15q26.1.
Variant type: Deletion.
Coding change: c.827del on transcript NM_000326.5 (MANE Select); coding-DNA position 827, one base deleted (T; older notation c.827delT).
Protein change: p.Phe276fs; shifts the reading frame from phenylalanine 276.
Molecular consequence: frameshift variant.
Genome position (GRCh38, 1-based): chr15:89,210,412, A deleted on the plus strand (T on the coding strand, the reverse complement: RLBP1 is on the minus strand); the first of 3 consecutive A bases (chr15:89,210,412-89,210,414); deleting any one gives the same sequence. VCF-style (leftmost placement, unchanged base first): chr15-89210411-GA-G. GRCh37 (hg19) VCF-style: chr15-89753642-GA-G.
Other names: short protein forms F276fs.
Identifiers: ClinVar variation 1489065 (VCV001489065.9), dbSNP rs2150968520, ClinGen allele CA2573151506.